The following is an entry in ClinVar:

NM_016938.5(EFEMP2):c.1170+17C>T

Gene: EFEMP2 (EGF-like fibulin extracellular matrix protein 2; minus strand). Cytogenetic location: 11q13.1.
Variant type: single nucleotide variant.
Coding change: c.1170+17C>T on transcript NM_016938.5 (MANE Select); 17 bases into the intron after coding-DNA position 1170, C replaced by T.
Molecular consequence: intron variant.
Genome position (GRCh38, 1-based): chr11:65,867,844, G>A on the plus strand (C>T on the coding strand, the complement: EFEMP2 is on the minus strand). VCF-style: chr11-65867844-G-A. GRCh37 (hg19) VCF-style: chr11-65635315-G-A.
Identifiers: ClinVar variation 682270 (VCV000682270.9), dbSNP rs200146991, ClinGen allele CA6110400.
Genomic context (GRCh38, chr11:65,867,844, plus strand): 5'-GGCCGAGTTCCCCCTTAAGGCGTCCTGGAGTTCAGTTTTAGATTGTGCATGTCAGTTGAG[G>A]GTTGCAGAAACCTTACCCTAATGTAAAAGTCCCCCTGCGAGTTTCCAGCACGGATCTGAA-3'

ClinVar aggregate classification (germline): Likely benign. Review status: criteria provided, multiple submitters, no conflicts (2 of 4 stars). 2 submissions from 2 submitters: Likely benign (2). Last evaluated 2026-01-19.

Conditions:
Cutis laxa, autosomal recessive, type 1B (ARCL1B). Also called: EFEMP2-Related Cutis Laxa; CUTIS LAXA, AUTOSOMAL RECESSIVE, TYPE IB. Identifiers: Orphanet 90349, MedGen C3280798, MONDO:0013754, OMIM 614437. Disease mechanism: loss of function.

Allele frequency attached by ClinVar (database versions not stated): gnomAD exomes 0.00006 and 0.00013; ExAC 0.00011; 1000 Genomes Project 0.00040; gnomAD 0.00041 and 0.00043; 1000 Genomes Project 30x 0.00047; ESP Exome Variant Server 0.00054; TOPMed 0.00055.
gnomAD v4.1: 147 of 1,613,612 alleles (0.0091%); highest among the groups gnomAD compares: African/African-American, 0.17%; 1 homozygote.

Submissions (2):

Labcorp Genetics (formerly Invitae), Labcorp
Classification: Likely benign for Cutis laxa, autosomal recessive, type 1B. Last evaluated: 2026-01-19. Review status: criteria provided, single submitter. Criteria: Invitae Variant Classification Sherloc (09022015). Collection method: clinical testing. Allele origin: germline.

GeneDx
Classification: Likely benign. Last evaluated: 2018-04-25. Review status: criteria provided, single submitter. Criteria: GeneDx Variant Classification (06012015). Collection method: clinical testing. Allele origin: germline. Affected: yes.
Comment: This variant is considered likely benign or benign based on one or more of the following criteria: it is a conservative change, it occurs at a poorly conserved position in the protein, it is predicted to be benign by multiple in silico algorithms, and/or has population frequency not consistent with disease.